The following is an entry in ClinVar:

ClinVar aggregate classification (germline): Conflicting classifications of pathogenicity. Review status: criteria provided, conflicting classifications (1 of 4 stars). 3 submissions from 3 submitters: Uncertain significance (1); Benign (1); Likely benign (1). Last evaluated 2026-04-28.

Conditions:
Colorectal cancer, susceptibility to, 1. Also called: COLORECTAL ADENOMA AND CANCER, SUSCEPTIBILITY TO; COLORECTAL CANCER, SUSCEPTIBILITY TO, ON CHROMOSOME 9. Identifiers: MedGen C1837315, MONDO:0012132, OMIM 608812.

gnomAD v4.1: 11 of 1,614,108 alleles (0.00068%); highest among the groups gnomAD compares: East Asian, 0.0022%; no homozygotes.

Submissions (3):

Myriad Genetics, Inc.
Classification: Benign for Colorectal cancer, susceptibility to, 1. Last evaluated: 2026-04-28. Review status: criteria provided, single submitter. Criteria: Myriad Autosomal Dominant, Autosomal Recessive and X-Linked Classification Criteria (2023). Collection method: clinical testing. Allele origin: unknown.
Comment: This variant is considered benign. This variant occurs in the non-coding 3' untranslated region of the gene, and is not expected to impact protein function.

Quest Diagnostics Nichols Institute San Juan Capistrano
Classification: Uncertain significance. Last evaluated: 2024-11-06. Review status: criteria provided, single submitter. Criteria: Quest Diagnostics criteria. Collection method: clinical testing. Allele origin: unknown.
Comment: The GALNT12 c.*9G>A variant has not been reported in individuals with GALNT12-related conditions in the published literature. The frequency of this variant in the general population, 0.000008 (2/251334 chromosomes (Genome Aggregation Database)), is uninformative in the assessment of its pathogenicity. Based on the available information, we are unable to determine the clinical significance of this variant.

Department of Pathology and Laboratory Medicine, Sinai Health System
Classification: Likely benign for colorectal cancer, susceptibility to, 1. Last evaluated: 2022-05-10. Review status: criteria provided, single submitter. Criteria: ACMG Guidelines, 2015. Collection method: clinical testing. Allele origin: germline. Affected: yes.

NM_024642.5(GALNT12):c.*9G>A

Gene: GALNT12 (polypeptide N-acetylgalactosaminyltransferase 12; plus strand). Cytogenetic location: 9q22.33.
Variant type: single nucleotide variant.
Coding change: c.*9G>A on transcript NM_024642.5 (MANE Select); 9 bases downstream of the stop codon, G replaced by A.
Molecular consequence: 3 prime UTR variant.
Genome position (GRCh38, 1-based): chr9:98,849,101, G>A. VCF-style: chr9-98849101-G-A. GRCh37 (hg19) VCF-style: chr9-101611383-G-A.
Identifiers: ClinVar variation 3572304 (VCV003572304.3).
Genomic context (GRCh38, chr9:98,849,101, plus strand): 5'-CTGCACCAACTCGGATCATCAGAAATGGTTCTTCAAAGAGCGCATGTTATGAAGCCTCGT[G>A]TATCAAGGAGCCCATCGAAGGAGACTGTGGAGCCAGGACTCTGCCCAACAAAGACTTAGC-3'